The following is an entry in ClinVar:

NM_001319.7(CSNK1G2):c.777G>A (p.Thr259=)

Gene: CSNK1G2 (casein kinase 1 gamma 2; plus strand). Cytogenetic location: 19p13.3.
Variant type: single nucleotide variant.
Coding change: c.777G>A on transcript NM_001319.7 (MANE Select); coding-DNA position 777, G replaced by A.
Protein change: p.Thr259=; no amino-acid change (threonine 259 retained).
Molecular consequence: synonymous variant.
Genome position (GRCh38, 1-based): chr19:1,979,327, G>A. VCF-style: chr19-1979327-G-A. GRCh37 (hg19) VCF-style: chr19-1979326-G-A.
Identifiers: ClinVar variation 2648953 (VCV002648953.24), dbSNP rs142134343, ClinGen allele CA9055652.

ClinVar aggregate classification (germline): Likely benign (1 of 4 stars; one submission).

Allele frequency attached by ClinVar (database versions not stated): 1000 Genomes Project 30x 0.00031; ESP Exome Variant Server 0.00039; TOPMed 0.00056; 1000 Genomes Project 0.00060; gnomAD 0.00063; gnomAD exomes 0.00082; ExAC 0.00241.
gnomAD v4.1: 1,325 of 1,602,136 alleles (0.083%); highest among the groups gnomAD compares: Middle Eastern, 1.3%; 7 homozygotes.

Submission:

CeGaT Center for Human Genetics Tuebingen
Classification: Likely benign. Last evaluated: 2023-09-01. Review status: criteria provided, single submitter. Criteria: CeGaT Center For Human Genetics Tuebingen Variant Classification Criteria Version 2. Collection method: clinical testing. Allele origin: germline. Affected: yes. Observed: 1 variant allele.
Comment: CSNK1G2: BP4, BP7